The following is an entry in ClinVar:

ClinVar aggregate classification (germline): Conflicting classifications of pathogenicity. Review status: criteria provided, conflicting classifications (1 of 4 stars). 2 submissions from 2 submitters: Uncertain significance (1); Likely benign (1). Last evaluated 2024-12-25.

Conditions:
Inborn genetic diseases. Identifiers: MedGen C0950123, MeSH D030342.

Allele frequency attached by ClinVar (database versions not stated): 1000 Genomes Project 30x 0.00047; 1000 Genomes Project 0.00060.
gnomAD v4.1: 55 of 1,613,418 alleles (0.0034%); highest among the groups gnomAD compares: South Asian, 0.055%; no homozygotes.

Submissions (2):

Ambry Genetics
Classification: Likely benign for Inborn genetic diseases. Last evaluated: 2024-12-25. Review status: criteria provided, single submitter. Criteria: Ambry Variant Classification Scheme 2023. Collection method: clinical testing. Allele origin: germline.

Labcorp Genetics (formerly Invitae), Labcorp
Classification: Uncertain significance. Last evaluated: 2023-01-23. Review status: criteria provided, single submitter. Criteria: Invitae Variant Classification Sherloc (09022015). Collection method: clinical testing. Allele origin: germline.
Comment: In summary, the available evidence is currently insufficient to determine the role of this variant in disease. Therefore, it has been classified as a Variant of Uncertain Significance. Advanced modeling of protein sequence and biophysical properties (such as structural, functional, and spatial information, amino acid conservation, physicochemical variation, residue mobility, and thermodynamic stability) performed at Invitae indicates that this missense variant is not expected to disrupt ANK3 protein function. ClinVar contains an entry for this variant (Variation ID: 939872). This variant has not been reported in the literature in individuals affected with ANK3-related conditions. This variant is present in population databases (rs183330533, gnomAD 0.06%). This sequence change replaces histidine, which is basic and polar, with glutamine, which is neutral and polar, at codon 2727 of the ANK3 protein (p.His2727Gln).

NM_020987.5(ANK3):c.8181C>A (p.His2727Gln)

Gene: ANK3 (ankyrin 3; minus strand). Cytogenetic location: 10q21.2.
Variant type: single nucleotide variant.
Coding change: c.8181C>A on transcript NM_020987.5 (MANE Select); coding-DNA position 8181, C replaced by A.
Protein change: p.His2727Gln; replaces histidine 2727 with glutamine.
Molecular consequence: missense variant. On other transcripts: intron variant (4).
Genome position (GRCh38, 1-based): chr10:60,072,700, G>T on the plus strand (C>A on the coding strand, the complement: ANK3 is on the minus strand). VCF-style: chr10-60072700-G-T. GRCh37 (hg19) VCF-style: chr10-61832458-G-T.
Other names: c.4388-4691C>A (NM_001204403.2); c.4409-4691C>A (NM_001204404.2); c.4406-4691C>A (NM_001320874.2); c.1808-4691C>A (NM_001149.4); c.8181C>A (NM_020987.3); short protein forms H2727Q.
Identifiers: ClinVar variation 939872 (VCV000939872.11), dbSNP rs183330533, ClinGen allele CA5511600.